The following is an entry in ClinVar:

NM_005918.4(MDH2):c.587T>A (p.Val196Asp)

Gene: MDH2 (malate dehydrogenase 2; plus strand). Cytogenetic location: 7q11.23.
Variant type: single nucleotide variant.
Coding change: c.587T>A on transcript NM_005918.4 (MANE Select); coding-DNA position 587, T replaced by A.
Protein change: p.Val196Asp; replaces valine 196 with aspartic acid.
Molecular consequence: missense variant.
Genome position (GRCh38, 1-based): chr7:76,063,546, T>A. VCF-style: chr7-76063546-T-A. GRCh37 (hg19) VCF-style: chr7-75692864-T-A.
Other names: c.461T>A, p.Val154Asp (NM_001282403.2); c.266T>A, p.Val89Asp (NM_001282404.2); short protein forms V154D, V89D, V196D.
Identifiers: ClinVar variation 1750255 (VCV001750255.2), dbSNP rs2535869628, ClinGen allele CA367766672.

ClinVar aggregate classification (germline): Uncertain significance (1 of 4 stars; one submission).

Conditions:
Inborn genetic diseases. Identifiers: MedGen C0950123, MeSH D030342.

Submission:

Ambry Genetics
Classification: Uncertain significance for Inborn genetic diseases. Last evaluated: 2021-10-31. Review status: criteria provided, single submitter. Criteria: Ambry Variant Classification Scheme 2023. Collection method: clinical testing. Allele origin: germline.
Comment: The p.V196D variant (also known as c.587T>A), located in coding exon 6 of the MDH2 gene, results from a T to A substitution at nucleotide position 587. The valine at codon 196 is replaced by aspartic acid, an amino acid with highly dissimilar properties. This amino acid position is conserved. In addition, this alteration is predicted to be deleterious by in silico analysis. Since supporting evidence is limited at this time, the clinical significance of this alteration remains unclear.